The following is an entry in ClinVar:

NM_032888.4(COL27A1):c.391C>T (p.Leu131Phe)

Gene: COL27A1 (collagen type XXVII alpha 1 chain; plus strand). Cytogenetic location: 9q32.
Variant type: single nucleotide variant.
Coding change: c.391C>T on transcript NM_032888.4 (MANE Select); coding-DNA position 391, C replaced by T.
Protein change: p.Leu131Phe; replaces leucine 131 with phenylalanine.
Molecular consequence: missense variant.
Genome position (GRCh38, 1-based): chr9:114,167,946, C>T. VCF-style: chr9-114167946-C-T. GRCh37 (hg19) VCF-style: chr9-116930226-C-T.
Other names: c.391C>T (NM_032888.2); short protein forms L131F.
Identifiers: ClinVar variation 1413669 (VCV001413669.4), dbSNP rs111969026, ClinGen allele CA5201133.
Genomic context (GRCh38, chr9:114,167,946, plus strand): 5'-CATGCCTTCCTCTTCGCTGTCCGCAGCCAGAAACGCAAGCTGCAGCTGGGCCTGCAGTTC[C>T]TCCCCGGCAAGACGGTCGTCCACCTCGGGTCCCGGCGCTCAGTGGCCTTCGACCTCGACA-3'
Protein context (NP_116277.2, residues 121-141): KRKLQLGLQF[Leu131Phe]PGKTVVHLGS

ClinVar aggregate classification (germline): Uncertain significance. Review status: criteria provided, multiple submitters, no conflicts (2 of 4 stars). 2 submissions from 2 submitters: Uncertain significance (2). Last evaluated 2024-06-10.

Conditions:
Inborn genetic diseases. Identifiers: MedGen C0950123, MeSH D030342.

Allele frequency attached by ClinVar (database versions not stated): gnomAD exomes 0.00002 and 0.00003; ExAC 0.00003; TOPMed 0.00004; gnomAD 0.00005 and 0.00007.
gnomAD v4.1: 85 of 1,609,584 alleles (0.0053%); highest among the groups gnomAD compares: African/African-American, 0.057%; 1 homozygote.

Submissions (2):

Ambry Genetics
Classification: Uncertain significance for Inborn genetic diseases. Last evaluated: 2024-06-10. Review status: criteria provided, single submitter. Criteria: Ambry Variant Classification Scheme 2023. Collection method: clinical testing. Allele origin: germline.

Labcorp Genetics (formerly Invitae), Labcorp
Classification: Uncertain significance. Last evaluated: 2022-09-07. Review status: criteria provided, single submitter. Criteria: Invitae Variant Classification Sherloc (09022015). Collection method: clinical testing. Allele origin: germline.
Comment: This sequence change replaces leucine, which is neutral and non-polar, with phenylalanine, which is neutral and non-polar, at codon 131 of the COL27A1 protein (p.Leu131Phe). This variant is present in population databases (rs111969026, gnomAD 0.01%). This variant has not been reported in the literature in individuals affected with COL27A1-related conditions. ClinVar contains an entry for this variant (Variation ID: 1413669). Advanced modeling of protein sequence and biophysical properties (such as structural, functional, and spatial information, amino acid conservation, physicochemical variation, residue mobility, and thermodynamic stability) performed at Invitae indicates that this missense variant is not expected to disrupt COL27A1 protein function. In summary, the available evidence is currently insufficient to determine the role of this variant in disease. Therefore, it has been classified as a Variant of Uncertain Significance.